The following is an entry in ClinVar:

ClinVar aggregate classification (germline): Benign/Likely benign. Review status: criteria provided, multiple submitters, no conflicts (2 of 4 stars). 11 submissions from 10 submitters: Benign (4); Likely benign (6). 1 of the submissions does not count toward it. Last evaluated 2026-07-01.

Conditions:
Autosomal dominant cerebellar ataxia. Also called: Spinocerebellar Ataxia, Dominant. Identifiers: Orphanet 99, MedGen C4087347, MONDO:0020380.
Charcot-Marie-Tooth disease. Also called: Charcot-Marie-Tooth Neuropathy; Charcot-Marie-Tooth Hereditary Neuropathy. Identifiers: Orphanet 166, MedGen C0007959, MONDO:0015626.
DYNC1H1-related disorder. Also called: DYNC1H1-related condition; DYNC1H1-related disorders. Identifiers: MedGen CN381529.
Charcot-Marie-Tooth disease axonal type 2O. Also called: Charcot-Marie-Tooth Neuropathy Type 2O; Charcot-Marie-Tooth disease, axonal, type 20; CHARCOT-MARIE-TOOTH NEUROPATHY, AXONAL, TYPE 2O; CHARCOT-MARIE-TOOTH DISEASE, AXONAL, AUTOSOMAL DOMINANT, TYPE 2O. Identifiers: Orphanet 284232, MedGen C3280220, MONDO:0013644, OMIM 614228.
Inborn genetic diseases. Identifiers: MedGen C0950123, MeSH D030342.

Allele frequency attached by ClinVar (database versions not stated): ExAC 0.00090; gnomAD exomes 0.00104; gnomAD 0.00132; ESP Exome Variant Server 0.00138; TOPMed 0.00179; 1000 Genomes Project 0.00240; 1000 Genomes Project 30x 0.00250.
gnomAD v4.1: 1,222 of 1,612,956 alleles (0.076%); highest among the groups gnomAD compares: Middle Eastern, 0.46%; no homozygotes.

Submissions (11):

CeGaT Center for Human Genetics Tuebingen
Classification: Likely benign. Last evaluated: 2026-07-01. Review status: criteria provided, single submitter. Criteria: CeGaT Center For Human Genetics Tuebingen Variant Classification Criteria Version 2. Collection method: clinical testing. Allele origin: germline. Affected: yes. Observed: 14 variant alleles.
Comment: DYNC1H1: BP4, BP7, BS1

Labcorp Genetics (formerly Invitae), Labcorp
Classification: Benign for Charcot-Marie-Tooth disease axonal type 2O. Last evaluated: 2026-02-03. Review status: criteria provided, single submitter. Criteria: Invitae Variant Classification Sherloc (09022015). Collection method: clinical testing. Allele origin: germline.

Blueprint Genetics
Classification: Likely benign. Last evaluated: 2024-11-15. Review status: criteria provided, single submitter. Criteria: ACMG Guidelines, 2015. Collection method: clinical testing. Allele origin: germline.

Mayo Clinic Laboratories, Mayo Clinic
Classification: Benign. Last evaluated: 2021-02-02. Review status: criteria provided, single submitter. Criteria: ACMG Guidelines, 2015. Collection method: clinical testing. Allele origin: germline. Observed: 7 variant alleles.

Illumina Laboratory Services, Illumina
Classification: Benign for Spinocerebellar Ataxia, Dominant. Last evaluated: 2018-01-13. Review status: criteria provided, single submitter. Criteria: ICSL Variant Classification Criteria 13 December 2019. Collection method: clinical testing. Allele origin: germline.
Comment: This variant was observed in the ICSL laboratory as part of a predisposition screen in an ostensibly healthy population. It had not been previously curated by ICSL or reported in the Human Gene Mutation Database (HGMD: prior to June 1st, 2018), and was therefore a candidate for classification through an automated scoring system. Utilizing variant allele frequency, disease prevalence and penetrance estimates, and inheritance mode, an automated score was calculated to assess if this variant is too frequent to cause the disease. Based on the score and internal cut-off values, a variant classified as benign is not then subjected to further curation. The score for this variant resulted in a classification of benign for this disease.

Illumina Laboratory Services, Illumina
Classification: Likely benign for Charcot-Marie-Tooth disease axonal type 2O. Last evaluated: 2018-01-13. Review status: criteria provided, single submitter. Criteria: ICSL Variant Classification Criteria 13 December 2019. Collection method: clinical testing. Allele origin: germline.
Comment: This variant was observed in the ICSL laboratory as part of a predisposition screen in an ostensibly healthy population. It had not been previously curated by ICSL or reported in the Human Gene Mutation Database (HGMD: prior to June 1st, 2018), and was therefore a candidate for classification through an automated scoring system. Utilizing variant allele frequency, disease prevalence and penetrance estimates, and inheritance mode, an automated score was calculated to assess if this variant is too frequent to cause the disease. Based on the score and internal cut-off values, a variant classified as likely benign is not then subjected to further curation. The score for this variant resulted in a classification of likely benign for this disease.

Ambry Genetics
Classification: Likely benign for Inborn genetic diseases. Last evaluated: 2017-05-28. Review status: criteria provided, single submitter. Criteria: Ambry Variant Classification Scheme 2023. Collection method: clinical testing. Allele origin: germline.

GeneDx
Classification: Benign. Last evaluated: 2016-01-20. Review status: criteria provided, single submitter. Criteria: GeneDx Variant Classification (06012015). Collection method: clinical testing. Allele origin: germline. Affected: yes.
Comment: This variant is considered likely benign or benign based on one or more of the following criteria: it is a conservative change, it occurs at a poorly conserved position in the protein, it is predicted to be benign by multiple in silico algorithms, and/or has population frequency not consistent with disease.

Breakthrough Genomics
Classification: Likely benign. Review status: criteria provided, single submitter. Criteria: ACMG Guidelines, 2015. Collection method: not provided. Allele origin: germline. Inheritance: Autosomal dominant inheritance. Affected: yes.

Molecular Genetics Laboratory, London Health Sciences Centre
Classification: Likely benign for Charcot-Marie-Tooth disease. Review status: criteria provided, single submitter. Criteria: ACMG Guidelines, 2015. Collection method: clinical testing. Allele origin: germline. Affected: yes.

PreventionGenetics, part of Exact Sciences
Classification: Benign for DYNC1H1-related condition. Last evaluated: 2024-03-13. Review status: no assertion criteria provided. Collection method: clinical testing. Allele origin: germline. Not counted in ClinVar's aggregate classification.
Comment: This variant is classified as benign based on ACMG/AMP sequence variant interpretation guidelines (Richards et al. 2015 PMID: 25741868, with internal and published modifications).

NM_001376.5(DYNC1H1):c.8304G>A (p.Pro2768=)

Gene: DYNC1H1 (dynein cytoplasmic 1 heavy chain 1; plus strand). Cytogenetic location: 14q32.31.
Variant type: single nucleotide variant.
Coding change: c.8304G>A on transcript NM_001376.5 (MANE Select); coding-DNA position 8304, G replaced by A.
Protein change: p.Pro2768=; no amino-acid change (proline 2768 retained).
Molecular consequence: synonymous variant.
Genome position (GRCh38, 1-based): chr14:102,018,577, G>A. VCF-style: chr14-102018577-G-A. GRCh37 (hg19) VCF-style: chr14-102484914-G-A.
Other names: p.Pro2768=.
Identifiers: ClinVar variation 312641 (VCV000312641.83), dbSNP rs77113510, ClinGen allele CA7352991.
Genomic context (GRCh38, chr14:102,018,577, plus strand): 5'-CGGCACCTTCAACCGCGCCATGCTGAGGCTCATTCCATCCCTGCGGACGTATGCAGAGCC[G>A]CTCACTGCTGCCATGGTGGAGTTCTACACCATGTCTCAGGTACGCAGAGTTTCTTTGCTC-3'
Protein context (NP_001367.2, residues 2758-2778): LIPSLRTYAE[Pro2768=]LTAAMVEFYT